The following is an entry in ClinVar:

NM_000207.3(INS):c.302C>G (p.Ser101Cys)

Genes: INS-IGF2 (INS-IGF2 readthrough; minus strand), INS (insulin; minus strand). Cytogenetic location: 11p15.5.
Variant type: single nucleotide variant.
Coding change: c.302C>G on transcript NM_000207.3 (MANE Select); coding-DNA position 302, C replaced by G.
Protein change: p.Ser101Cys; replaces serine 101 with cysteine.
Molecular consequence: missense variant. On other transcripts: intron variant (1).
Genome position (GRCh38, 1-based): chr11:2,159,883, G>C on the plus strand (C>G on the coding strand, the complement: INS is on the minus strand). VCF-style: chr11-2159883-G-C. GRCh37 (hg19) VCF-style: chr11-2181113-G-C.
Other names: c.302C>G, p.Ser101Cys (NM_001185097.2, NM_001185098.2, NM_001291897.2); c.187+902C>G (NM_001042376.3); short protein forms S101C.
Identifiers: ClinVar variation 68731 (VCV000068731.2), dbSNP rs121908276, ClinGen allele CA266174.

ClinVar aggregate classification (germline): Likely risk allele. Review status: criteria provided, single submitter (1 of 4 stars). 2 submissions from 2 submitters: Likely risk allele (1). 1 of the submissions does not count toward it.

Conditions:
Diabetes mellitus, permanent neonatal 4. Also called: INS-Related Permanent Neonatal Diabetes Mellitus. Identifiers: MedGen C5394307, MONDO:0030089, OMIM 618858.
Permanent neonatal diabetes mellitus (PNDM). Identifiers: Orphanet 99885, MedGen C1833104, MONDO:0100164, MONDO:0011643. Disease mechanism: gain of function.

Submissions (2):

Clinical Genomics, Uppaluri K&H Personalized Medicine Clinic
Classification: Likely risk allele for Diabetes mellitus, permanent neonatal 4. Review status: criteria provided, single submitter. Criteria: K & H Uppaluri Personalized Medicine Clinic Variant Classification & Assertion Criteria_Updated V.1. Collection method: research. Allele origin: unknown.
Comment: Potent mutations in INS gene can cause early onset diabetes mellitus which is insulin dependent. It may have poor response to sulfonylureas, as mutations in this gene can cause beta cell destruction. However, more evidence is required to confer the association of this particular variant rs121908276 with permanent neonatal diabetes mellitus.

UniProtKB/Swiss-Prot
No classification provided. Condition: Permanent neonatal diabetes mellitus. Review status: no classification provided. Collection method: not provided. Allele origin: not provided. Not counted in ClinVar's aggregate classification.

Literature cited by the submitters: PubMed 18162506 (cited by Clinical Genomics, Uppaluri K&H Personalized Medicine Clinic); PubMed 25542748 (cited by Clinical Genomics, Uppaluri K&H Personalized Medicine Clinic).